The following is an entry in ClinVar:

NM_014874.4(MFN2):c.312-19A>G

Gene: MFN2 (mitofusin 2; plus strand). Cytogenetic location: 1p36.22.
Variant type: single nucleotide variant.
Coding change: c.312-19A>G on transcript NM_014874.4 (MANE Select); 19 bases into the intron before coding-DNA position 312, A replaced by G.
Molecular consequence: intron variant.
Genome position (GRCh38, 1-based): chr1:11,996,137, A>G. VCF-style: chr1-11996137-A-G. GRCh37 (hg19) VCF-style: chr1-12056194-A-G.
Other names: c.312-19A>G (NM_001127660.2).
Identifiers: ClinVar variation 382039 (VCV000382039.8), dbSNP rs756393202, ClinGen allele CA598803.
Genomic context (GRCh38, chr1:11,996,137, plus strand): 5'-TCCAGGCTGGTATCTGCGTTGTGAAAGTAATTCAGGTCAGATACTGGTGGCTTTGCTGAC[A>G]GCTGTTACTTCCTTCTAGGACGAGCAATGGGAAGAGCACCGTGATCAATGCCATGCTCTG-3'

ClinVar aggregate classification (germline): Likely benign. Review status: criteria provided, multiple submitters, no conflicts (2 of 4 stars). 2 submissions from 2 submitters: Likely benign (2). Last evaluated 2024-05-07.

Conditions:
Charcot-Marie-Tooth disease type 2. Also called: Charcot-Marie-Tooth type 2. Identifiers: Orphanet 64746, MedGen C0270914, MONDO:0018993.

Allele frequency attached by ClinVar (database versions not stated): TOPMed below 0.00001; gnomAD exomes 0.00001; ExAC 0.00002; gnomAD 0.00001.
gnomAD v4.1: 19 of 1,614,026 alleles (0.0012%); highest among the groups gnomAD compares: Non-Finnish European, 0.0016%; no homozygotes.

Submissions (2):

Labcorp Genetics (formerly Invitae), Labcorp
Classification: Likely benign for Charcot-Marie-Tooth disease type 2. Last evaluated: 2024-05-07. Review status: criteria provided, single submitter. Criteria: Invitae Variant Classification Sherloc (09022015). Collection method: clinical testing. Allele origin: germline.

GeneDx
Classification: Likely benign. Last evaluated: 2015-12-03. Review status: criteria provided, single submitter. Criteria: GeneDx Variant Classification (06012015). Collection method: clinical testing. Allele origin: germline. Affected: yes.
Comment: This variant is considered likely benign or benign based on one or more of the following criteria: it is a conservative change, it occurs at a poorly conserved position in the protein, it is predicted to be benign by multiple in silico algorithms, and/or has population frequency not consistent with disease.